The following is an entry in ClinVar:

ClinVar aggregate classification (germline): Uncertain significance (1 of 4 stars; one submission).

Conditions:
FGF10-related disorder. Also called: FGF10-related condition.

Submission:

PreventionGenetics, part of Exact Sciences
Classification: Uncertain significance for FGF10-related condition. Last evaluated: 2025-12-09. Review status: criteria provided, single submitter. Criteria: ACMG Guidelines, 2015. Collection method: clinical testing. Allele origin: germline.
Comment: The FGF10 c.452A>C variant is predicted to result in the amino acid substitution p.Lys151Thr. To our knowledge, this variant has not been reported in the literature or in a large population database (gnomAD), indicating this variant is rare. At this time, the clinical significance of this variant is uncertain due to the absence of conclusive functional and genetic evidence.

NM_004465.2(FGF10):c.452A>C (p.Lys151Thr)

Gene: FGF10 (fibroblast growth factor 10; minus strand). Cytogenetic location: 5p12.
Variant type: single nucleotide variant.
Coding change: c.452A>C on transcript NM_004465.2 (MANE Select); coding-DNA position 452, A replaced by C.
Protein change: p.Lys151Thr; replaces lysine 151 with threonine.
Molecular consequence: missense variant.
Genome position (GRCh38, 1-based): chr5:44,305,170, T>G on the plus strand (A>C on the coding strand, the complement: FGF10 is on the minus strand). VCF-style: chr5-44305170-T-G. GRCh37 (hg19) VCF-style: chr5-44305272-T-G.
Other names: short protein forms K151T.
Identifiers: ClinVar variation 4991825 (VCV004991825.1).